The following is an entry in ClinVar:

NM_002528.7(NTHL1):c.736_737delinsGC (p.Lys246Ala)

Gene: NTHL1 (nth like DNA glycosylase 1; minus strand). Cytogenetic location: 16p13.3.
Variant type: Indel.
Coding change: c.736_737delinsGC on transcript NM_002528.7 (MANE Select); coding-DNA positions 736 to 737, AA replaced by GC.
Protein change: p.Lys246Ala; replaces lysine 246 with alanine.
Molecular consequence: missense variant.
Genome position (GRCh38, 1-based): chr16:2,040,187-2,040,188, TT replaced by GC on the plus strand (AA replaced by GC on the coding strand, the reverse complement: NTHL1 is on the minus strand). VCF-style: chr16-2040187-TT-GC. GRCh37 (hg19) VCF-style: chr16-2090188-TT-GC.
Other names: c.565_566delinsGC, p.Lys189Ala (NM_001318193.2); c.406_407delinsGC, p.Lys136Ala (NM_001318194.2); short protein forms K246A, K136A, K189A.
Identifiers: ClinVar variation 2586090 (VCV002586090.2), dbSNP rs2548311961, ClinGen allele CA2582342641.

ClinVar aggregate classification (germline): Uncertain significance (1 of 4 stars; one submission).

Conditions:
Hereditary cancer-predisposing syndrome. Also called: Hereditary neoplastic syndrome; Tumor predisposition; Hereditary Cancer Syndrome; Neoplastic Syndromes, Hereditary. Identifiers: Orphanet 140162, MedGen C0027672, MeSH D009386, MONDO:0015356.

Submission:

Ambry Genetics
Classification: Uncertain significance for Hereditary cancer-predisposing syndrome. Last evaluated: 2023-07-06. Review status: criteria provided, single submitter. Criteria: Ambry Variant Classification Scheme 2023. Collection method: clinical testing. Allele origin: germline.
Comment: The c.760_761delAAinsGC variant (also known as p.K254A), located in coding exon 5 of the NTHL1 gene, results from an in-frame deletion of AA and insertion of GC at nucleotide positions 760 to 761. This results in the substitution of the lysine residue for a alanine residue at codon 254, an amino acid with dissimilar properties. This amino acid position is not well conserved in available vertebrate species. In addition, the in silico prediction for this alteration is inconclusive (Choi Y et al. PLoS ONE. 2012; 7(10):e46688). Since supporting evidence is limited at this time, the clinical significance of this alteration remains unclear.